The following is an entry in ClinVar:

NM_000465.4(BARD1):c.450A>C (p.Arg150=)

Gene: BARD1 (BRCA1 associated RING domain 1; minus strand). Cytogenetic location: 2q35.
Variant type: single nucleotide variant.
Coding change: c.450A>C on transcript NM_000465.4 (MANE Select); coding-DNA position 450, A replaced by C.
Protein change: p.Arg150=; no amino-acid change (arginine 150 retained).
Molecular consequence: synonymous variant. On other transcripts: non-coding transcript variant (2), intron variant (3).
Genome position (GRCh38, 1-based): chr2:214,781,424, T>G on the plus strand (A>C on the coding strand, the complement: BARD1 is on the minus strand). VCF-style: chr2-214781424-T-G. GRCh37 (hg19) VCF-style: chr2-215646148-T-G.
Other names: c.393A>C, p.Arg131= (NM_001282543.2); c.158+27988A>C (NM_001282548.2); c.215+15637A>C (NM_001282545.2); c.364+10873A>C (NM_001282549.2).
Identifiers: ClinVar variation 1086996 (VCV001086996.11), dbSNP rs2106112364, ClinGen allele CA431136195.

ClinVar aggregate classification (germline): Benign/Likely benign. Review status: criteria provided, multiple submitters, no conflicts (2 of 4 stars). 2 submissions from 2 submitters: Benign (1); Likely benign (1). Last evaluated 2025-06-17.

Conditions:
Familial cancer of breast. Also called: hereditary breast carcinoma; BREAST CANCER, FAMILIAL; Hereditary breast cancer. Identifiers: Orphanet 227535, MedGen C0346153, MONDO:0016419, OMIM 114480. Disease mechanism: loss of function.

Submissions (2):

Labcorp Genetics (formerly Invitae), Labcorp
Classification: Likely benign for Familial cancer of breast. Last evaluated: 2025-06-17. Review status: criteria provided, single submitter. Criteria: Invitae Variant Classification Sherloc (09022015). Collection method: clinical testing. Allele origin: germline.

Myriad Genetics, Inc.
Classification: Benign for Familial cancer of breast. Last evaluated: 2024-07-22. Review status: criteria provided, single submitter. Criteria: Myriad Autosomal Dominant, Autosomal Recessive and X-Linked Classification Criteria (2023). Collection method: clinical testing. Allele origin: unknown.
Comment: This variant is considered benign. This variant is a silent/synonymous amino acid change and it is not expected to impact splicing.